The following is an entry in ClinVar:

NM_007294.4(BRCA1):c.5137G>T (p.Val1713Leu)

Gene: BRCA1 (BRCA1 DNA repair associated; minus strand). Cytogenetic location: 17q21.31.
Variant type: single nucleotide variant.
Coding change: c.5137G>T on transcript NM_007294.4 (MANE Select); coding-DNA position 5137, G replaced by T.
Protein change: p.Val1713Leu; replaces valine 1713 with leucine.
Molecular consequence: missense variant. On other transcripts: non-coding transcript variant (1).
Genome position (GRCh38, 1-based): chr17:43,063,889, C>A on the plus strand (G>T on the coding strand, the complement: BRCA1 is on the minus strand). VCF-style: chr17-43063889-C-A. GRCh37 (hg19) VCF-style: chr17-41215906-C-A.
Other names: c.1618G>T, p.Val540Leu (NM_001408479.1, NM_001408480.1, NM_001408478.1); c.1615G>T, p.Val539Leu (NM_001408481.1, NM_001408482.1, NM_001408483.1 and 5 more transcripts); c.1564G>T, p.Val522Leu (NM_001408501.1, NM_001408496.1, NM_001408497.1 and 3 more transcripts); c.1561G>T, p.Val521Leu (NM_001408502.1, NM_001408503.1, NM_001408504.1); c.1558G>T, p.Val520Leu (NM_001408505.1); c.1501G>T, p.Val501Leu (NM_001408506.1); c.1498G>T, p.Val500Leu (NM_001408507.1); c.1489G>T, p.Val497Leu (NM_001408508.1); and 71 more; short protein forms V609L, V1734L, V1666L, V1713L, V1586L, V1602L, V1624L, V1625L.
Identifiers: ClinVar variation 868700 (VCV000868700.5), dbSNP rs1064793309, ClinGen allele CA10591266.

ClinVar aggregate classification (germline): Likely pathogenic (1 of 4 stars; one submission).

Conditions:
Hereditary cancer-predisposing syndrome. Also called: Neoplastic Syndromes, Hereditary; Tumor predisposition; Hereditary Cancer Syndrome; Hereditary neoplastic syndrome. Identifiers: Orphanet 140162, MedGen C0027672, MeSH D009386, MONDO:0015356.

Submissions (2):

Ambry Genetics
Classification: Likely pathogenic for Hereditary cancer-predisposing syndrome. Last evaluated: 2021-10-28. Review status: criteria provided, single submitter. Criteria: Ambry Variant Classification Scheme 2023. Collection method: clinical testing. Allele origin: germline.
Comment: The c.5137G>T variant (also known as p.V1713L), located in coding exon 16 of the BRCA1 gene, results from a G to T substitution at nucleotide position 5137. The valine at codon 1713 is replaced by leucine, an amino acid with highly similar properties. One functional study found that this nucleotide substitution is non-functional in a high-throughput, genome editing, haploid cell survival assay, and c.5137G>T caused a significant reduction in mRNA expression (Findlay GM et al. Nature, 2018 10;562:217-222). This alteration was classified as uncertain significance by a multifactorial analysis that utilized data on co-occurrence, personal and family history, and tumor characteristics (Lee JS et al. J Med Genet, 2018 12;55:794-802). In addition, this alteration has been identified in 1/5433 Korean breast and/or ovarian cancer patients (Park KS et al. Cancers (Basel), 2021 May;13:) and in one family with two cases of breast cancer from a cohort of 1246 individuals assessed for BRCA1/2 genetic testing in Spain (Ruiz de Sabando A et al. BMC Cancer, 2019 Nov;19:1145). This variant is considered to be rare based on population cohorts in the Genome Aggregation Database (gnomAD). This nucleotide position is not well conserved in available vertebrate species. In silico splice site analysis predicts that this alteration will result in the creation or strengthening of a novel splice donor site. Based on the majority of available evidence to date, this variant is likely to be pathogenic.

Brotman Baty Institute, University of Washington
No classification provided (evidence only). Condition: Breast-ovarian cancer, familial 1. Review status: no classification provided. Collection method: in vitro. Allele origin: not applicable. Functional consequence: functionally_abnormal. Not counted in ClinVar's aggregate classification.
ClinVar note: "not provided" was previously submitted as the classification for the variant. However, the classification appeared to be based only on an observation of functional data so it was converted to no classification on 2025-07-30.

Literature cited by the submitters: PubMed 17305420 (cited by Ambry Genetics); PubMed 30209399 (cited by Ambry Genetics); PubMed 30415210 (cited by Ambry Genetics); PubMed 31771539 (cited by Ambry Genetics); PubMed 34063308 (cited by Ambry Genetics); PubMed 7611277 (cited by Ambry Genetics).